The following is an entry in ClinVar:

NM_003072.5(SMARCA4):c.397C>T (p.Pro133Ser)

Gene: SMARCA4 (SWI/SNF related BAF chromatin remodeling complex subunit ATPase 4; plus strand). Cytogenetic location: 19p13.2.
Variant type: single nucleotide variant.
Coding change: c.397C>T on transcript NM_003072.5 (MANE Select); coding-DNA position 397, C replaced by T.
Protein change: p.Pro133Ser; replaces proline 133 with serine.
Molecular consequence: missense variant. On other transcripts: non-coding transcript variant (1).
Genome position (GRCh38, 1-based): chr19:10,986,230, C>T. VCF-style: chr19-10986230-C-T. GRCh37 (hg19) VCF-style: chr19-11096906-C-T.
Other names: c.397C>T, p.Pro133Ser (NM_001128844.3, NM_001128845.2, NM_001128846.2 and 6 more transcripts); short protein forms P133S.
Identifiers: ClinVar variation 2776276 (VCV002776276.3), dbSNP rs2145772582, ClinGen allele CA404055775.

ClinVar aggregate classification (germline): Uncertain significance (1 of 4 stars; one submission).

Conditions:
Rhabdoid tumor predisposition syndrome 2 (RTPS2). Identifiers: Orphanet 231108, Orphanet 69077, MedGen C2750074, MONDO:0013224, OMIM 613325.

Submission:

Labcorp Genetics (formerly Invitae), Labcorp
Classification: Uncertain significance for Rhabdoid tumor predisposition syndrome 2. Last evaluated: 2023-06-05. Review status: criteria provided, single submitter. Criteria: Invitae Variant Classification Sherloc (09022015). Collection method: clinical testing. Allele origin: germline.
Comment: In summary, the available evidence is currently insufficient to determine the role of this variant in disease. Therefore, it has been classified as a Variant of Uncertain Significance. Advanced modeling of protein sequence and biophysical properties (such as structural, functional, and spatial information, amino acid conservation, physicochemical variation, residue mobility, and thermodynamic stability) has been performed at Invitae for this missense variant, however the output from this modeling did not meet the statistical confidence thresholds required to predict the impact of this variant on SMARCA4 protein function. This variant has not been reported in the literature in individuals affected with SMARCA4-related conditions. This variant is not present in population databases (gnomAD no frequency). This sequence change replaces proline, which is neutral and non-polar, with serine, which is neutral and polar, at codon 133 of the SMARCA4 protein (p.Pro133Ser).